The following is an entry in ClinVar:

NM_016373.4(WWOX):c.994C>T (p.His332Tyr)

Gene: WWOX (WW domain containing oxidoreductase; plus strand). Cytogenetic location: 16q23.1.
Variant type: single nucleotide variant.
Coding change: c.994C>T on transcript NM_016373.4 (MANE Select); coding-DNA position 994, C replaced by T.
Protein change: p.His332Tyr; replaces histidine 332 with tyrosine.
Molecular consequence: missense variant.
Genome position (GRCh38, 1-based): chr16:78,432,690, C>T. VCF-style: chr16-78432690-C-T. GRCh37 (hg19) VCF-style: chr16-78466587-C-T.
Other names: c.655C>T, p.His219Tyr (NM_001291997.2); short protein forms H332Y, H219Y.
Identifiers: ClinVar variation 473038 (VCV000473038.6), dbSNP rs923399366, ClinGen allele CA396843417.

ClinVar aggregate classification (germline): Uncertain significance (1 of 4 stars; one submission).

Conditions:
Developmental and epileptic encephalopathy, 1 (DEE1). Also called: INFANTILE SPASM SYNDROME, X-LINKED 1; X-linked infantile spasms; West's syndrome; Tonic spasms with clustering, arrest of psychomotor development and hypsarrhythmia on EEG; X-Linked Infantile Spasm Syndrome; OHTAHARA SYNDROME, X-LINKED. Identifiers: MedGen C3463992, MONDO:0010632, OMIM 308350. Disease mechanism: loss of function.
Autosomal recessive spinocerebellar ataxia 12. Also called: SPINOCEREBELLAR ATAXIA WITH MENTAL RETARDATION AND EPILEPSY. Identifiers: Orphanet 284282, MedGen C3280452, MONDO:0013687, OMIM 614322.

Allele frequency attached by ClinVar (database versions not stated): gnomAD exomes below 0.00001.
gnomAD v4.1: 6 of 1,614,188 alleles (0.00037%); highest among the groups gnomAD compares: South Asian, 0.0055%; no homozygotes.

Submission:

Labcorp Genetics (formerly Invitae), Labcorp
Classification: Uncertain significance for Developmental and epileptic encephalopathy, 1; Autosomal recessive spinocerebellar ataxia 12. Last evaluated: 2022-08-09. Review status: criteria provided, single submitter. Criteria: Invitae Variant Classification Sherloc (09022015). Collection method: clinical testing. Allele origin: germline.
Comment: This sequence change replaces histidine, which is basic and polar, with tyrosine, which is neutral and polar, at codon 332 of the WWOX protein (p.His332Tyr). This variant is present in population databases (no rsID available, gnomAD 0.003%). This variant has not been reported in the literature in individuals affected with WWOX-related conditions. ClinVar contains an entry for this variant (Variation ID: 473038). Algorithms developed to predict the effect of missense changes on protein structure and function are either unavailable or do not agree on the potential impact of this missense change (SIFT: "Not Available"; PolyPhen-2: "Benign"; Align-GVGD: "Not Available"). In summary, the available evidence is currently insufficient to determine the role of this variant in disease. Therefore, it has been classified as a Variant of Uncertain Significance.